The following is an entry in ClinVar:

ClinVar aggregate classification (germline): Uncertain significance (3 of 4 stars; one submission).

Conditions:
Phenylketonuria (PKU). Also called: Phenylketonurias; Phenylketonuria (PKU); OLIGOPHRENIA PHENYLPYRUVICA; FOLLING DISEASE. Identifiers: Orphanet 716, MedGen C0031485, MONDO:0009861, OMIM 261600. Disease mechanism: loss of function.

Submission:

ClinGen PAH Variant Curation Expert Panel
Classification: Uncertain significance for Phenylketonuria. Last evaluated: 2020-12-11. Review status: reviewed by expert panel. Criteria: ClinGen PAH ACMG Specifications v1. Collection method: curation. Allele origin: germline. Inheritance: Autosomal recessive inheritance.
Comment: A defect in BH4 metabolism was excluded through a BH4 loading test, urinary pterin analysis, and DHPR activity assay. This variant is absent from population databases gnomAD, 1000 Genomes and ESP. Splicing prediction algorithms predict this variant to be probably damaging. In summary, this variant meets criteria to be classified as a variant of uncertain significance for PAH. PAH-specific ACMG/AMP criteria applied: PM2, PP4_moderate, PP3.

NM_000277.3(PAH):c.969+4A>T

Gene: PAH (phenylalanine hydroxylase; minus strand). Cytogenetic location: 12q23.2.
Variant type: single nucleotide variant.
Coding change: c.969+4A>T on transcript NM_000277.3 (MANE Select); 4 bases into the intron after coding-DNA position 969, A replaced by T.
Molecular consequence: intron variant.
Genome position (GRCh38, 1-based): chr12:102,846,891, T>A on the plus strand (A>T on the coding strand, the complement: PAH is on the minus strand). VCF-style: chr12-102846891-T-A. GRCh37 (hg19) VCF-style: chr12-103240669-T-A.
Other names: c.969+4A>T (NM_001354304.2).
Identifiers: ClinVar variation 1065378 (VCV001065378.1), dbSNP rs2136639453, ClinGen allele CA645584081.